The following is an entry in ClinVar:

NM_014339.7(IL17RA):c.456C>A (p.Asp152Glu)

Gene: IL17RA (interleukin 17 receptor A; plus strand). Cytogenetic location: 22q11.1.
Variant type: single nucleotide variant.
Coding change: c.456C>A on transcript NM_014339.7 (MANE Select); coding-DNA position 456, C replaced by A.
Protein change: p.Asp152Glu; replaces aspartic acid 152 with glutamic acid.
Molecular consequence: missense variant.
Genome position (GRCh38, 1-based): chr22:17,100,387, C>A. VCF-style: chr22-17100387-C-A. GRCh37 (hg19) VCF-style: chr22-17581277-C-A.
Other names: c.456C>A (NM_014339.5); c.456C>A, p.Asp152Glu (NM_001289905.2); short protein forms D152E.
Identifiers: ClinVar variation 1359178 (VCV001359178.10), dbSNP rs148692192, ClinGen allele CA10086366.

ClinVar aggregate classification (germline): Conflicting classifications of pathogenicity. Review status: criteria provided, conflicting classifications (1 of 4 stars). 2 submissions from 2 submitters: Uncertain significance (1); Likely benign (1). Last evaluated 2023-08-04.

Conditions:
Immunodeficiency 51 (IMD51). Also called: CANDIDIASIS, FAMILIAL, 5. Identifiers: Orphanet 1334, MedGen C4310803, MONDO:0013500, OMIM 613953.

gnomAD v4.1: 10 of 1,614,016 alleles (0.00062%); highest among the groups gnomAD compares: African/African-American, 0.008%; no homozygotes.

Submissions (2):

Labcorp Genetics (formerly Invitae), Labcorp
Classification: Uncertain significance for Immunodeficiency 51. Last evaluated: 2023-08-04. Review status: criteria provided, single submitter. Criteria: Invitae Variant Classification Sherloc (09022015). Collection method: clinical testing. Allele origin: germline.
Comment: ClinVar contains an entry for this variant (Variation ID: 1359178). This variant has not been reported in the literature in individuals affected with IL17RA-related conditions. This variant is present in population databases (rs148692192, gnomAD 0.02%). This sequence change replaces aspartic acid, which is acidic and polar, with glutamic acid, which is acidic and polar, at codon 152 of the IL17RA protein (p.Asp152Glu). Advanced modeling of protein sequence and biophysical properties (such as structural, functional, and spatial information, amino acid conservation, physicochemical variation, residue mobility, and thermodynamic stability) performed at Invitae indicates that this missense variant is not expected to disrupt IL17RA protein function. In summary, the available evidence is currently insufficient to determine the role of this variant in disease. Therefore, it has been classified as a Variant of Uncertain Significance.

Ambry Genetics
Classification: Likely benign. Last evaluated: 2023-03-02. Review status: criteria provided, single submitter. Criteria: Ambry Variant Classification Scheme 2023. Collection method: clinical testing. Allele origin: germline.